The following is an entry in ClinVar:

ClinVar aggregate classification (germline): Benign/Likely benign. Review status: criteria provided, multiple submitters, no conflicts (2 of 4 stars). 22 submissions from 19 submitters: Benign (15); Likely benign (1). 6 of the submissions do not count toward it. Last evaluated 2026-02-04.

Conditions:
Cardiovascular phenotype. Identifiers: MedGen CN230736.
Cardiac arrhythmia. Also called: Arrhythmia; Cardiac rhythm disease. Identifiers: MedGen C0003811, MONDO:0007263, HP:0011675.
Long QT syndrome (LQTS). Identifiers: MedGen C0023976, MeSH D008133, MONDO:0002442. Disease mechanism: loss of function. Inheritance: Various modes of inheritance.
Atrial fibrillation, familial, 3 (ATFB3). Identifiers: MedGen C1837014, MONDO:0011857, OMIM 607554.
Short QT syndrome type 2. Identifiers: Orphanet 51083, MedGen C1865019, MONDO:0012313, OMIM 609621.
Long QT syndrome 1 (LQT1). Identifiers: Orphanet 101016, Orphanet 768, MedGen C4551647, MONDO:0100316, OMIM 192500, MONDO:0008646.
Jervell and Lange-Nielsen syndrome 1 (JLNS1). Also called: CARDIOAUDITORY SYNDROME OF JERVELL AND LANGE-NIELSEN; DEAFNESS, CONGENITAL, AND FUNCTIONAL HEART DISEASE; PROLONGED QT INTERVAL IN EKG AND SUDDEN DEATH; SURDO-CARDIAC SYNDROME. Identifiers: Orphanet 768, Orphanet 90647, MedGen C4551509, MONDO:0024540, OMIM 220400.

Allele frequency attached by ClinVar (database versions not stated): 1000 Genomes Project 30x 0.08245; 1000 Genomes Project 0.08327; TOPMed 0.15440; ESP Exome Variant Server 0.17342.

Submissions (22):

Labcorp Genetics (formerly Invitae), Labcorp
Classification: Benign for Long QT syndrome. Last evaluated: 2026-02-04. Review status: criteria provided, single submitter. Criteria: Invitae Variant Classification Sherloc (09022015). Collection method: clinical testing. Allele origin: germline.

ARUP Laboratories, Molecular Genetics and Genomics, ARUP Laboratories
Classification: Benign. Last evaluated: 2025-07-23. Review status: criteria provided, single submitter. Criteria: ARUP Molecular Germline Variant Investigation Process 2024. Collection method: clinical testing. Allele origin: germline.

Molecular Diagnostic Laboratory for Inherited Cardiovascular Disease, Montreal Heart Institute
Classification: Benign. Last evaluated: 2025-04-08. Review status: criteria provided, single submitter. Criteria: ACMG Guidelines, 2015. Collection method: clinical testing. Allele origin: germline. Affected: no.

Blueprint Genetics
Classification: Likely benign. Last evaluated: 2024-11-27. Review status: criteria provided, single submitter. Criteria: ACMG Guidelines, 2015. Collection method: clinical testing. Allele origin: germline.

Molecular Genetics Laboratory - Cardiogenetics, CHU de Nantes
Classification: Benign for Long QT syndrome 1. Last evaluated: 2023-08-01. Review status: criteria provided, single submitter. Criteria: ACMG Guidelines, 2015. Collection method: clinical testing. Allele origin: germline. Affected: yes.

Mayo Clinic Laboratories, Mayo Clinic
Classification: Benign. Last evaluated: 2020-07-20. Review status: criteria provided, single submitter. Criteria: ACMG Guidelines, 2015. Collection method: clinical testing. Allele origin: germline. Observed: 457 variant alleles.

Color Diagnostics, LLC DBA Color Health
Classification: Benign for Arrhythmia. Last evaluated: 2018-03-16. Review status: criteria provided, single submitter. Criteria: ACMG Guidelines, 2015. Collection method: clinical testing. Allele origin: germline.

Illumina Laboratory Services, Illumina
Classification: Benign for Short QT syndrome type 2. Last evaluated: 2017-04-27. Review status: criteria provided, single submitter. Criteria: ICSL Variant Classification Criteria 13 December 2019. Collection method: clinical testing. Allele origin: germline.
Comment: This variant was observed as part of a predisposition screen in an ostensibly healthy population. A literature search was performed for the gene, cDNA change, and amino acid change (where applicable). No publications were found based on this search. Allele frequency data from public databases was too high to be consistent with this variant causing disease. Therefore, this variant is classified as benign.

Illumina Laboratory Services, Illumina
Classification: Benign for Atrial fibrillation, familial, 3. Last evaluated: 2017-04-27. Review status: criteria provided, single submitter. Criteria: ICSL Variant Classification Criteria 13 December 2019. Collection method: clinical testing. Allele origin: germline.
Comment: the same text as in the submission from Illumina Laboratory Services, Illumina above.

Illumina Laboratory Services, Illumina
Classification: Benign for Long QT syndrome 1. Last evaluated: 2017-04-27. Review status: criteria provided, single submitter. Criteria: ICSL Variant Classification Criteria 13 December 2019. Collection method: clinical testing. Allele origin: germline.
Comment: This variant was observed as part of a predisposition screen in an ostensibly healthy population. A literature search was performed for the gene, cDNA change, and amino acid change (where applicable). Publications were found based on this search. The evidence from the literature, in combination with allele frequency data from public databases where available, was sufficient to rule this variant out of causing disease. Therefore, this variant is classified as benign.

Illumina Laboratory Services, Illumina
Classification: Benign for Jervell and Lange-Nielsen syndrome 1. Last evaluated: 2017-04-27. Review status: criteria provided, single submitter. Criteria: ICSL Variant Classification Criteria 13 December 2019. Collection method: clinical testing. Allele origin: germline.
Comment: the same text as in the submission from Illumina Laboratory Services, Illumina above.

Ambry Genetics
Classification: Benign for Cardiovascular phenotype. Last evaluated: 2015-02-19. Review status: criteria provided, single submitter. Criteria: Ambry Variant Classification Scheme 2023. Collection method: clinical testing. Allele origin: germline.

Laboratory for Molecular Medicine, Mass General Brigham Personalized Medicine
Classification: Benign. Last evaluated: 2012-05-07. Review status: criteria provided, single submitter. Criteria: LMM Criteria. Collection method: clinical testing. Allele origin: germline. Observed: 560 variant alleles.
Comment: "Tyr662Tyr in Exon 16 of KCNQ1: This variant is not expected to have clinical si gnificance because it does not alter an amino acid residue, is not located withi n the splice consensus sequence, and has been identified in 23.6% (1636/6932) of European American chromosomes from a broad population by the NHLBI Exome Sequen cing Project (dbSNP rs11601907)."

GeneDx
Classification: Benign. Last evaluated: 2011-07-10. Review status: criteria provided, single submitter. Criteria: GeneDx Variant Classification (06012015). Collection method: clinical testing. Allele origin: germline. Affected: yes.
Comment: This variant is considered likely benign or benign based on one or more of the following criteria: it is a conservative change, it occurs at a poorly conserved position in the protein, it is predicted to be benign by multiple in silico algorithms, and/or has population frequency not consistent with disease.

Breakthrough Genomics
Classification: Benign. Review status: criteria provided, single submitter. Criteria: ACMG Guidelines, 2015. Collection method: not provided. Allele origin: germline. Inheritance: Autosomal recessive inheritance. Affected: yes.

PreventionGenetics, part of Exact Sciences
Classification: Benign. Review status: criteria provided, single submitter. Criteria: ACMG Guidelines, 2015. Collection method: clinical testing. Allele origin: germline.

Cohesion Phenomics
Classification: Likely benign for Long QT syndrome. Last evaluated: 2022-09-23. Review status: no assertion criteria provided. Criteria: ACMG Guidelines, 2015. Collection method: clinical testing. Allele origin: germline. Affected: yes. Not counted in ClinVar's aggregate classification.

Clinical Genetics DNA and cytogenetics Diagnostics Lab, Erasmus MC, Erasmus Medical Center
Classification: Benign. Review status: no assertion criteria provided. Collection method: clinical testing. Allele origin: germline. Affected: yes. Study: VKGL Data-share Consensus. Not counted in ClinVar's aggregate classification.

Clinical Genetics, Academic Medical Center
Classification: Benign. Review status: no assertion criteria provided. Collection method: clinical testing. Allele origin: germline. Affected: yes. Study: VKGL Data-share Consensus. Not counted in ClinVar's aggregate classification.

Department of Pathology and Laboratory Medicine, Sinai Health System
Classification: Uncertain significance. Review status: no assertion criteria provided. Collection method: clinical testing. Allele origin: unknown. Affected: yes. Study: The Canadian Open Genetics Repository (COGR). Not counted in ClinVar's aggregate classification.
Comment: multiple AR variants in same gene - keep for nowAllele frequency is common in at least one population database (frequency: 46.46% in ExAC) based on the frequency threshold of 0.868% for this gene.Variant was observed in a homozygous state in population databases more than expected for disease.11 reputable source/s reports the variant as benign, but the evidence is not available to the laboratory to perform an independent evaluation.A synonymous variant not located in a splice region.

Genome Diagnostics Laboratory, University Medical Center Utrecht
Classification: Benign. Review status: no assertion criteria provided. Collection method: clinical testing. Allele origin: germline. Affected: yes. Study: VKGL Data-share Consensus. Not counted in ClinVar's aggregate classification.

Joint Genome Diagnostic Labs from Nijmegen and Maastricht, Radboudumc and MUMC+
Classification: Benign. Review status: no assertion criteria provided. Collection method: clinical testing. Allele origin: germline. Affected: yes. Study: VKGL Data-share Consensus. Not counted in ClinVar's aggregate classification.

Literature cited by the submitters: PubMed 19716085 (cited by Illumina Laboratory Services, Illumina).

NM_000218.3(KCNQ1):c.1986C>T (p.Tyr662=)

Genes: KCNQ1 (potassium voltage-gated channel subfamily Q member 1; plus strand), KCNQ1-AS1 (KCNQ1 antisense RNA 1; minus strand). Cytogenetic location: 11p15.4.
Variant type: single nucleotide variant.
Coding change: c.1986C>T on transcript NM_000218.3 (MANE Select); coding-DNA position 1986, C replaced by T.
Protein change: p.Tyr662=; no amino-acid change (tyrosine 662 retained).
Molecular consequence: synonymous variant.
Genome position (GRCh38, 1-based): chr11:2,847,958, C>T. VCF-style: chr11-2847958-C-T. GRCh37 (hg19) VCF-style: chr11-2869188-C-T.
Other names: p.Y662Y:TAC>TAT; p.Tyr662=; c.1890C>T, p.Tyr630= (NM_001406836.1); c.1716C>T, p.Tyr572= (NM_001406837.1); c.1446C>T, p.Tyr482= (NM_001406838.1); c.498C>T, p.Tyr166= (NM_001406839.1); c.1605C>T, p.Tyr535= (NM_181798.2).
Identifiers: ClinVar variation 42489 (VCV000042489.54), dbSNP rs11601907, ClinGen allele CA006636.
Genomic context (GRCh38, chr11:2,847,958, plus strand): 5'-CGGCAGTGGCGGCTCCGTCGACCCTGAGCTCTTCCTGCCCAGCAACACCCTGCCCACCTA[C>T]GAGCAGCTGACCGTGCCCAGGAGGGGCCCCGATGAGGGGTCCTGAGGAGGGGATGGGGCT-3'
Protein context (NP_000209.2, residues 652-672): LFLPSNTLPT[Tyr662=]EQLTVPRRGP